The following is an entry in ClinVar:

NM_004655.4(AXIN2):c.2304C>A (p.Tyr768Ter)

Gene: AXIN2 (axin 2; minus strand). Cytogenetic location: 17q24.1.
Variant type: single nucleotide variant.
Coding change: c.2304C>A on transcript NM_004655.4 (MANE Select); coding-DNA position 2304, C replaced by A.
Protein change: p.Tyr768Ter; replaces tyrosine 768 with a stop codon.
Molecular consequence: nonsense.
Genome position (GRCh38, 1-based): chr17:65,534,013, G>T on the plus strand (C>A on the coding strand, the complement: AXIN2 is on the minus strand). VCF-style: chr17-65534013-G-T. GRCh37 (hg19) VCF-style: chr17-63530131-G-T.
Other names: c.2109C>A, p.Tyr703Ter (NM_001363813.1); short protein forms Y703*, Y768*.
Identifiers: ClinVar variation 1076852 (VCV001076852.7), dbSNP rs2144419495, ClinGen allele CA400675550.

ClinVar aggregate classification (germline): Pathogenic (1 of 4 stars; one submission).

Conditions:
Oligodontia-cancer predisposition syndrome. Also called: TOOTH AGENESIS-COLORECTAL CANCER SYNDROME. Identifiers: Orphanet 300576, MedGen C1837750, MONDO:0012075, OMIM 608615. Disease mechanism: loss of function.

Submission:

Labcorp Genetics (formerly Invitae), Labcorp
Classification: Pathogenic for Oligodontia-cancer predisposition syndrome. Last evaluated: 2020-05-03. Review status: criteria provided, single submitter. Criteria: Invitae Variant Classification Sherloc (09022015). Collection method: clinical testing. Allele origin: germline.
Comment: Loss-of-function variants in AXIN2 are known to be pathogenic (PMID: 15042511, 21416598). For these reasons, this variant has been classified as Pathogenic. This variant has not been reported in the literature in individuals with AXIN2-related conditions. This variant is not present in population databases (ExAC no frequency). This sequence change creates a premature translational stop signal (p.Tyr768*) in the AXIN2 gene. It is expected to result in an absent or disrupted protein product.

Literature cited by the submitters: PubMed 15042511; PubMed 21416598.